The following is an entry in ClinVar:

NM_020975.6(RET):c.2720A>T (p.Lys907Met)

Gene: RET (ret proto-oncogene; plus strand). Cytogenetic location: 10q11.21.
Variant type: single nucleotide variant.
Coding change: c.2720A>T on transcript NM_020975.6 (MANE Select); coding-DNA position 2720, A replaced by T.
Protein change: p.Lys907Met; replaces lysine 907 with methionine.
Molecular consequence: missense variant.
Genome position (GRCh38, 1-based): chr10:43,120,193, A>T. VCF-style: chr10-43120193-A-T. GRCh37 (hg19) VCF-style: chr10-43615641-A-T.
Other names: c.2720A>T, p.Lys907Met (NM_000323.2, NM_001406743.1, NM_001406744.1 and 4 more transcripts); c.1958A>T, p.Lys653Met (NM_001355216.2); c.2591A>T, p.Lys864Met (NM_001406761.1, NM_001406762.1, NM_001406764.1); c.2585A>T, p.Lys862Met (NM_001406763.1, NM_001406765.1); c.2432A>T, p.Lys811Met (NM_001406766.1, NM_001406767.1, NM_001406770.1); c.2456A>T, p.Lys819Met (NM_001406768.1); c.2324A>T, p.Lys775Met (NM_001406769.1, NM_001406772.1); c.2282A>T, p.Lys761Met (NM_001406771.1, NM_001406773.1); and 10 more; short protein forms K653M, K472M, K732M, K761M, K819M, K563M, K811M, K862M.
Identifiers: ClinVar variation 1406187 (VCV001406187.6), dbSNP rs377767431, ClinGen allele CA009051.

ClinVar aggregate classification (germline): Uncertain significance (1 of 4 stars; one submission).

Conditions:
Multiple endocrine neoplasia, type 2 (MEN2). Identifiers: Orphanet 653, MedGen C4048306, MONDO:0019003. Disease mechanism: gain of function.

Submission:

Labcorp Genetics (formerly Invitae), Labcorp
Classification: Uncertain significance for Multiple endocrine neoplasia, type 2. Last evaluated: 2021-01-13. Review status: criteria provided, single submitter. Criteria: Invitae Variant Classification Sherloc (09022015). Collection method: clinical testing. Allele origin: germline.
Comment: This sequence change replaces lysine with methionine at codon 907 of the RET protein (p.Lys907Met). The lysine residue is highly conserved and there is a moderate physicochemical difference between lysine and methionine. This variant is not present in population databases (ExAC no frequency). This variant has been observed in individual(s) with familial medullary thyroid cancer (PMID: 11688458). ClinVar contains an entry for this variant (Variation ID: 24966). Algorithms developed to predict the effect of missense changes on protein structure and function are either unavailable or do not agree on the potential impact of this missense change (SIFT: "Deleterious"; PolyPhen-2: "Probably Damaging"; Align-GVGD: "Class C0"). In summary, the available evidence is currently insufficient to determine the role of this variant in disease. Therefore, it has been classified as a Variant of Uncertain Significance.

Literature cited by the submitters: PubMed 11688458.